The following is an entry in ClinVar:

NM_032581.4(HYCC1):c.500C>T (p.Pro167Leu)

Gene: HYCC1 (hyccin PI4KA lipid kinase complex subunit 1; minus strand). Cytogenetic location: 7p15.3.
Variant type: single nucleotide variant.
Coding change: c.500C>T on transcript NM_032581.4 (MANE Select); coding-DNA position 500, C replaced by T.
Protein change: p.Pro167Leu; replaces proline 167 with leucine.
Molecular consequence: missense variant.
Genome position (GRCh38, 1-based): chr7:22,976,723, G>A on the plus strand (C>T on the coding strand, the complement: HYCC1 is on the minus strand). VCF-style: chr7-22976723-G-A. GRCh37 (hg19) VCF-style: chr7-23016342-G-A.
Other names: c.500C>T, p.Pro167Leu (NM_001363466.2, NM_001363467.2); short protein forms P167L.
Identifiers: ClinVar variation 912208 (VCV000912208.8), dbSNP rs546861751, ClinGen allele CA4185998.
Genomic context (GRCh38, chr7:22,976,723, plus strand): 5'-AAGATAAGAATTTTTATCCCCACAGTATACCGATTCTGTGCTGTCAGCATCTCCCTTTGA[G>A]GATGAGGTCCACTGTATACCACTTTTGACAAACCATGCTGGGATAGTGCACTCTCAGTCA-3'
Protein context (NP_115970.2, residues 157-177): LSKVVYSGPH[Pro167Leu]QREMLTAQNR

ClinVar aggregate classification (germline): Uncertain significance. Review status: criteria provided, multiple submitters, no conflicts (2 of 4 stars). 2 submissions from 2 submitters: Uncertain significance (2). Last evaluated 2021-08-24.

Conditions:
Hypomyelination and Congenital Cataract (HLD5). Also called: hypomyelinating leukodystrophy 5. Identifiers: Orphanet 85163, MedGen C1864663, MONDO:0012514, OMIM 610532.

Allele frequency attached by ClinVar (database versions not stated): gnomAD 0.00004 and 0.00005; gnomAD exomes 0.00004 and 0.00014; TOPMed 0.00009; ExAC 0.00015; 1000 Genomes Project 30x 0.00016; 1000 Genomes Project 0.00020.
gnomAD v4.1: 66 of 1,612,164 alleles (0.0041%); highest among the groups gnomAD compares: East Asian, 0.14%; no homozygotes.

Submissions (2):

Labcorp Genetics (formerly Invitae), Labcorp
Classification: Uncertain significance for Hypomyelination and Congenital Cataract. Last evaluated: 2021-08-24. Review status: criteria provided, single submitter. Criteria: Invitae Variant Classification Sherloc (09022015). Collection method: clinical testing. Allele origin: germline.
Comment: This sequence change replaces proline with leucine at codon 167 of the FAM126A protein (p.Pro167Leu). The proline residue is highly conserved and there is a moderate physicochemical difference between proline and leucine. This variant is present in population databases (rs546861751, ExAC 0.2%). This variant has not been reported in the literature in individuals affected with FAM126A-related conditions. ClinVar contains an entry for this variant (Variation ID: 912208). Algorithms developed to predict the effect of missense changes on protein structure and function (SIFT, PolyPhen-2, Align-GVGD) all suggest that this variant is likely to be tolerated. In summary, the available evidence is currently insufficient to determine the role of this variant in disease. Therefore, it has been classified as a Variant of Uncertain Significance.

Illumina Laboratory Services, Illumina
Classification: Uncertain significance for Hypomyelination and Congenital Cataract. Last evaluated: 2018-01-12. Review status: criteria provided, single submitter. Criteria: ICSL Variant Classification Criteria 13 December 2019. Collection method: clinical testing. Allele origin: germline.